The following is an entry in ClinVar:

NM_002439.5(MSH3):c.301G>C (p.Val101Leu)

Gene: MSH3 (mutS homolog 3; plus strand). Cytogenetic location: 5q14.1.
Variant type: single nucleotide variant.
Coding change: c.301G>C on transcript NM_002439.5 (MANE Select); coding-DNA position 301, G replaced by C.
Protein change: p.Val101Leu; replaces valine 101 with leucine.
Molecular consequence: missense variant.
Genome position (GRCh38, 1-based): chr5:80,656,474, G>C. VCF-style: chr5-80656474-G-C. GRCh37 (hg19) VCF-style: chr5-79952293-G-C.
Other names: short protein forms V101L.
Identifiers: ClinVar variation 1798901 (VCV001798901.2), dbSNP rs1749288737, ClinGen allele CA360266325.

ClinVar aggregate classification (germline): Uncertain significance (1 of 4 stars; one submission).

Conditions:
Hereditary cancer-predisposing syndrome. Also called: Neoplastic Syndromes, Hereditary; Tumor predisposition; Hereditary Cancer Syndrome; Hereditary neoplastic syndrome. Identifiers: Orphanet 140162, MedGen C0027672, MeSH D009386, MONDO:0015356.

Submission:

Ambry Genetics
Classification: Uncertain significance for Hereditary cancer-predisposing syndrome. Last evaluated: 2021-06-25. Review status: criteria provided, single submitter. Criteria: Ambry Variant Classification Scheme 2023. Collection method: clinical testing. Allele origin: germline.
Comment: The p.V101L variant (also known as c.301G>C), located in coding exon 2 of the MSH3 gene, results from a G to C substitution at nucleotide position 301. The valine at codon 101 is replaced by leucine, an amino acid with highly similar properties. This amino acid position is poorly conserved in available vertebrate species. In addition, this alteration is predicted to be tolerated by in silico analysis. Since supporting evidence is limited at this time, the clinical significance of this alteration remains unclear.